The following is an entry in ClinVar:

ClinVar aggregate classification (germline): Uncertain significance (1 of 4 stars; one submission).

Allele frequency attached by ClinVar (database versions not stated): gnomAD 0.00003 and 0.00004; TOPMed 0.00005.

Submission:

GeneDx
Classification: Uncertain significance. Last evaluated: 2018-01-03. Review status: criteria provided, single submitter. Criteria: GeneDx Variant Classification (06012015). Collection method: clinical testing. Allele origin: germline. Affected: yes.
Comment: This variant is denoted SMAD4 c.-128+19C>T or IVS1+19C>T and consists of a C>T nucleotide substitution at the +19 position of intron 1 of the SMAD4 gene. This variant is not predicted to cause abnormal splicing; however, in the absence of RNA or functional studies, the actual effect of this variant is unknown. This variant has not, to our knowledge, been published in the literature as pathogenic or benign. SMAD4 c.-128+19C>T was not observed in approximately 6,500 individuals of European and African American ancestry in the NHLBI Exome Sequencing Project, suggesting it is not a common benign variant in these populations. The cytosine (C) nucleotide that is altered is conserved in mammals. Based on currently available information, it is unclear whether SMAD4 c.-128+19C>T is pathogenic or benign. We consider it to be a variant of uncertain significance.

NM_005359.6(SMAD4):c.-128+19C>T

Gene: SMAD4 (SMAD family member 4; plus strand). Cytogenetic location: 18q21.2.
Variant type: single nucleotide variant.
Coding change: c.-128+19C>T on transcript NM_005359.6 (MANE Select); 19 bases into the intron after 128 bases upstream of the start codon, C replaced by T.
Molecular consequence: intron variant.
Genome position (GRCh38, 1-based): chr18:51,030,642, C>T. VCF-style: chr18-51030642-C-T. GRCh37 (hg19) VCF-style: chr18-48557012-C-T.
Identifiers: ClinVar variation 423518 (VCV000423518.2), dbSNP rs974217374, ClinGen allele CA16620695.
Genomic context (GRCh38, chr18:51,030,642, plus strand): 5'-AGCGCGGGAGAGCGGACTCCCCTCGCCACCGCCCGAGCCCAGGTAACCGCGCCATGTCCC[C>T]TCCCCTTCCCCCGGCCGGGCCCGCGCACCCCGCCTGTGGCTTCCCCGCCCCGGGGCGGGC-3'